The following is an entry in ClinVar:

NM_005144.5(HR):c.2776+6_2776+17delinsGCCAGAGAGGAG

Gene: HR (HR lysine demethylase and nuclear receptor corepressor; minus strand). Cytogenetic location: 8p21.3.
Variant type: Indel.
Coding change: c.2776+6_2776+17delinsGCCAGAGAGGAG on transcript NM_005144.5 (MANE Select); bases 6 to 17 of the intron after coding-DNA position 2776, TGTCCCCAACAC replaced by GCCAGAGAGGAG.
Molecular consequence: intron variant.
Genome position (GRCh38, 1-based): chr8:22,120,325-22,120,336, GTGTTGGGGACA replaced by CTCCTCTCTGGC on the plus strand (TGTCCCCAACAC replaced by GCCAGAGAGGAG on the coding strand, the reverse complement: HR is on the minus strand). VCF-style: chr8-22120325-GTGTTGGGGACA-CTCCTCTCTGGC. GRCh37 (hg19) VCF-style: chr8-21977838-GTGTTGGGGACA-CTCCTCTCTGGC.
Other names: c.2776+6_2776+17delinsGCCAGAGAGGAG (NM_018411.4).
Identifiers: ClinVar variation 4072289 (VCV004072289.1).
Genomic context (GRCh38, chr8:22,120,325, plus strand): 5'-ACCCTGGGACTCCTCTGCCACCCGATCCCTAGGGCTTGGGCTCCCAGCTCCCTCTCCCCT[GTGTTGGGGACA>CTCCTCTCTGGC]CTTACGCTCAGGCCAGGAGAAGCCCTCCCAGAATGTTGTGCTGCCCAGGCTGCTGGGCTG-3'

ClinVar aggregate classification (germline): Uncertain significance (1 of 4 stars; one submission).

Conditions:
Alopecia universalis congenita (ALUNC). Also called: ATRICHIA, GENERALIZED. Identifiers: Orphanet 701, MedGen C1859877, MONDO:0008757, OMIM 203655.

Submission:

3billion
Classification: Uncertain significance for Alopecia universalis congenita. Last evaluated: 2024-07-10. Review status: criteria provided, single submitter. Criteria: ACMG Guidelines, 2015. Collection method: clinical testing. Allele origin: germline. Affected: yes.
Comment: The variant is observed at an extremely low frequency in the gnomAD v4.0.0 dataset (total allele frequency: <0.001%). Predicted Consequence/Location: Intron variant. In silico tools predict the variant to alter splicing and produce an abnormal transcript [SpliceAI: 0.65 (>=0.2, moderate evidence for spliceogenicity)]. Therefore, this variant is classified as VUS according to the recommendation of ACMG/AMP guideline.